The following is an entry in ClinVar:

ClinVar aggregate classification (germline): Uncertain significance (1 of 4 stars; one submission).

gnomAD v4.1: 99 of 1,614,108 alleles (0.0061%); highest among the groups gnomAD compares: Non-Finnish European, 0.0083%; no homozygotes.

Submission:

Labcorp Genetics (formerly Invitae), Labcorp
Classification: Uncertain significance. Last evaluated: 2025-02-25. Review status: criteria provided, single submitter. Criteria: Invitae Variant Classification Sherloc (09022015). Collection method: clinical testing. Allele origin: germline.
Comment: This sequence change replaces asparagine, which is neutral and polar, with isoleucine, which is neutral and non-polar, at codon 834 of the DSG1 protein (p.Asn834Ile). This variant is present in population databases (no rsID available, gnomAD 0.003%). This variant has not been reported in the literature in individuals affected with DSG1-related conditions. Invitae Evidence Modeling of protein sequence and biophysical properties (such as structural, functional, and spatial information, amino acid conservation, physicochemical variation, residue mobility, and thermodynamic stability) indicates that this missense variant is not expected to disrupt DSG1 protein function with a negative predictive value of 80%. In summary, the available evidence is currently insufficient to determine the role of this variant in disease. Therefore, it has been classified as a Variant of Uncertain Significance.

NM_001942.4(DSG1):c.2501A>T (p.Asn834Ile)

Genes: DSG1 (desmoglein 1; plus strand), DSG1-AS1 (DSG1 antisense RNA 1; minus strand), LOC126862720 (MED14-independent group 3 enhancer GRCh37_chr18:28933613-28934812; plus strand). Cytogenetic location: 18q12.1.
Variant type: single nucleotide variant.
Coding change: c.2501A>T on transcript NM_001942.4 (MANE Select); coding-DNA position 2501, A replaced by T.
Protein change: p.Asn834Ile; replaces asparagine 834 with isoleucine.
Molecular consequence: missense variant.
Genome position (GRCh38, 1-based): chr18:31,354,697, A>T. VCF-style: chr18-31354697-A-T. GRCh37 (hg19) VCF-style: chr18-28934660-A-T.
Other names: short protein forms N834I.
Identifiers: ClinVar variation 3610798 (VCV003610798.2).